The following is an entry in ClinVar:

NM_030665.4(RAI1):c.466C>T (p.Gln156Ter)

Gene: RAI1 (retinoic acid induced 1; plus strand). Cytogenetic location: 17p11.2.
Variant type: single nucleotide variant.
Coding change: c.466C>T on transcript NM_030665.4 (MANE Select); coding-DNA position 466, C replaced by T.
Protein change: p.Gln156Ter; replaces glutamine 156 with a stop codon.
Molecular consequence: nonsense.
Genome position (GRCh38, 1-based): chr17:17,793,414, C>T. VCF-style: chr17-17793414-C-T. GRCh37 (hg19) VCF-style: chr17-17696728-C-T.
Other names: short protein forms Q156*.
Identifiers: ClinVar variation 2116319 (VCV002116319.4), dbSNP rs2508569038, ClinGen allele CA398545523.
Genomic context (GRCh38, chr17:17,793,414, plus strand): 5'-GCAGGGGTGGCCAAGTATGATGAGAACTTGATGAAAAAGACAGCAGTGCCCCCCAGCAGG[C>T]AGTATGCAGAGCAGGGCGCCCAGGTGCCCTTTCGGACTCACTCCCTGCACGTCCAGCAGC-3'

ClinVar aggregate classification (germline): Pathogenic (1 of 4 stars; one submission).

Submission:

Labcorp Genetics (formerly Invitae), Labcorp
Classification: Pathogenic. Last evaluated: 2022-03-23. Review status: criteria provided, single submitter. Criteria: Invitae Variant Classification Sherloc (09022015). Collection method: clinical testing. Allele origin: germline.
Comment: This variant is not present in population databases (gnomAD no frequency). For these reasons, this variant has been classified as Pathogenic. This variant has not been reported in the literature in individuals affected with RAI1-related conditions. This sequence change creates a premature translational stop signal (p.Gln156*) in the RAI1 gene. It is expected to result in an absent or disrupted protein product. Loss-of-function variants in RAI1 are known to be pathogenic (PMID: 21857958, 24715852).

Literature cited by the submitters: PubMed 21857958; PubMed 24715852.